The following is an entry in ClinVar:

ClinVar aggregate classification (germline): Pathogenic (0 of 4 stars; one submission).

Submission:

Quest Diagnostics Nichols Institute San Juan Capistrano
Classification: Pathogenic. Last evaluated: 2021-04-01. Review status: no assertion criteria provided. Collection method: clinical testing. Allele origin: germline.
Comment: The deletion of 12p12.1 involves a portion of the SOX5 gene, including a number of exons, and is expected to cause phenotypic and/or developmental abnormalities. Mutations leading to haploinsufficiency or microdeletion of SOX5 are associated with the autosomal dominant Lamb-Shaffer syndrome (OMIM #616803). Lamb-Shaffer syndrome is a neurodevelopmental disorder characterized by global developmental delay, intellectual disability, poor expressive speech, and mild dysmorphic facial features. Additional variable skeletal abnormalities may also be present (Nesbitt et al., Am J Med Genet A. 2015 Nov;167A(11):2548-54. PMID: 26111154; Lamb AN, et al., Hum Mutat. 2012 Apr;33(4):728-40. PMID: 22290657).

GRCh37/hg19 12p12.1(chr12:23537708-23757164)x1

Gene: SOX5 (SRY-box transcription factor 5; minus strand). Cytogenetic location: 12p12.1.
Variant type: copy number loss.
Change: copy number 1 (one copy instead of two) of chr12:23,537,708-23,757,164 (219.5 kb, GRCh37 coordinates, 1-based), cytogenetic band 12p12.1.
Identifiers: ClinVar variation 1340410 (VCV001340410.1).